The following is an entry in ClinVar:

ClinVar aggregate classification (germline): Uncertain significance (1 of 4 stars; one submission).

Conditions:
Alstrom syndrome (ALMS). Identifiers: Orphanet 64, MedGen C0268425, MONDO:0008763, OMIM 203800.

Allele frequency attached by ClinVar (database versions not stated): gnomAD exomes below 0.00001; ExAC 0.00001.
gnomAD v4.1: 5 of 1,613,714 alleles (0.00031%); highest among the groups gnomAD compares: Non-Finnish European, 0.00042%; no homozygotes.

Submission:

Labcorp Genetics (formerly Invitae), Labcorp
Classification: Uncertain significance for Alstrom syndrome. Last evaluated: 2022-08-06. Review status: criteria provided, single submitter. Criteria: Invitae Variant Classification Sherloc (09022015). Collection method: clinical testing. Allele origin: germline.
Comment: In summary, the available evidence is currently insufficient to determine the role of this variant in disease. Therefore, it has been classified as a Variant of Uncertain Significance. Experimental studies and prediction algorithms are not available or were not evaluated, and the functional significance of this variant is currently unknown. ClinVar contains an entry for this variant (Variation ID: 1510428). This variant has not been reported in the literature in individuals affected with ALMS1-related conditions. This variant is present in population databases (rs749180234, gnomAD 0.0009%). This sequence change replaces serine, which is neutral and polar, with cysteine, which is neutral and slightly polar, at codon 2093 of the ALMS1 protein (p.Ser2093Cys).

NM_001378454.1(ALMS1):c.6275C>G (p.Ser2092Cys)

Gene: ALMS1 (ALMS1 centrosome and basal body associated protein; plus strand). Cytogenetic location: 2p13.1.
Variant type: single nucleotide variant.
Coding change: c.6275C>G on transcript NM_001378454.1 (MANE Select); coding-DNA position 6275, C replaced by G.
Protein change: p.Ser2092Cys; replaces serine 2092 with cysteine.
Molecular consequence: missense variant.
Genome position (GRCh38, 1-based): chr2:73,452,802, C>G. VCF-style: chr2-73452802-C-G. GRCh37 (hg19) VCF-style: chr2-73679929-C-G.
Other names: c.6278C>G, p.Ser2093Cys (NM_015120.4); short protein forms S2093C, S2092C.
Identifiers: ClinVar variation 1510428 (VCV001510428.6), dbSNP rs749180234, ClinGen allele CA1714038.